The following is an entry in ClinVar:

ClinVar aggregate classification (germline): Uncertain significance (1 of 4 stars; one submission).

Conditions:
Rubinstein-Taybi syndrome due to EP300 haploinsufficiency. Also called: EP300-Related Rubinstein-Taybi Syndrome; RUBINSTEIN-TAYBI SYNDROME 2. Identifiers: Orphanet 353284, Orphanet 783, MedGen C3150941, MONDO:0013364, OMIM 613684.

Submission:

Labcorp Genetics (formerly Invitae), Labcorp
Classification: Uncertain significance for Rubinstein-Taybi syndrome due to EP300 haploinsufficiency. Last evaluated: 2024-03-07. Review status: criteria provided, single submitter. Criteria: Invitae Variant Classification Sherloc (09022015). Collection method: clinical testing. Allele origin: germline.
Comment: This sequence change replaces glutamine, which is neutral and polar, with glutamic acid, which is acidic and polar, at codon 561 of the EP300 protein (p.Gln561Glu). This variant is not present in population databases (gnomAD no frequency). This variant has not been reported in the literature in individuals affected with EP300-related conditions. Advanced modeling of protein sequence and biophysical properties (such as structural, functional, and spatial information, amino acid conservation, physicochemical variation, residue mobility, and thermodynamic stability) has been performed at Invitae for this missense variant, however the output from this modeling did not meet the statistical confidence thresholds required to predict the impact of this variant on EP300 protein function. In summary, the available evidence is currently insufficient to determine the role of this variant in disease. Therefore, it has been classified as a Variant of Uncertain Significance.

NM_001429.4(EP300):c.1681C>G (p.Gln561Glu)

Gene: EP300 (EP300 lysine acetyltransferase; plus strand). Cytogenetic location: 22q13.2.
Variant type: single nucleotide variant.
Coding change: c.1681C>G on transcript NM_001429.4 (MANE Select); coding-DNA position 1681, C replaced by G.
Protein change: p.Gln561Glu; replaces glutamine 561 with glutamic acid.
Molecular consequence: missense variant.
Genome position (GRCh38, 1-based): chr22:41,137,711, C>G. VCF-style: chr22-41137711-C-G. GRCh37 (hg19) VCF-style: chr22-41533715-C-G.
Other names: c.1681C>G, p.Gln561Glu (NM_001362843.2); short protein forms Q561E.
Identifiers: ClinVar variation 2765444 (VCV002765444.3), dbSNP rs2518141350, ClinGen allele CA411687164.
Genomic context (GRCh38, chr22:41,137,711, plus strand): 5'-AGCCCAATGATGAGTGAAAATGCCAGTGTGCCCTCCCTGGGTCCTATGCCAACAGCAGCT[C>G]AACCATCCACTACTGGAATTCGGAAACAGTGGCACGAAGATATTACTCAGGATCTTCGAA-3'
Protein context (NP_001420.2, residues 551-571): PSLGPMPTAA[Gln561Glu]PSTTGIRKQW